The following is an entry in ClinVar:

NM_000548.5(TSC2):c.4695G>C (p.Glu1565Asp)

Gene: TSC2 (TSC complex subunit 2; plus strand). Cytogenetic location: 16p13.3.
Variant type: single nucleotide variant.
Coding change: c.4695G>C on transcript NM_000548.5 (MANE Select); coding-DNA position 4695, G replaced by C.
Protein change: p.Glu1565Asp; replaces glutamic acid 1565 with aspartic acid.
Molecular consequence: missense variant.
Genome position (GRCh38, 1-based): chr16:2,086,225, G>C. VCF-style: chr16-2086225-G-C. GRCh37 (hg19) VCF-style: chr16-2136226-G-C.
Other names: c.4494G>C, p.Glu1498Asp (NM_001077183.3); c.4626G>C, p.Glu1542Asp (NM_001114382.3); c.4386G>C, p.Glu1462Asp (NM_001318827.2); c.4350G>C, p.Glu1450Asp (NM_001318829.2); c.3963G>C, p.Glu1321Asp (NM_001318831.2); c.4527G>C, p.Glu1509Asp (NM_001318832.2); c.4497G>C, p.Glu1499Asp (NM_001363528.2); c.4563G>C, p.Glu1521Asp (NM_001370404.1); and 1 more; short protein forms E1450D, E1499D, E1509D, E1521D, E1522D, E1565D, E1321D, E1462D.
Identifiers: ClinVar variation 942410 (VCV000942410.12), dbSNP rs762372483, ClinGen allele CA394307203.

ClinVar aggregate classification (germline): Uncertain significance. Review status: criteria provided, multiple submitters, no conflicts (2 of 4 stars). 2 submissions from 2 submitters: Uncertain significance (2). Last evaluated 2023-08-01.

Conditions:
Hereditary cancer-predisposing syndrome. Also called: Neoplastic Syndromes, Hereditary; Hereditary neoplastic syndrome; Hereditary Cancer Syndrome; Tumor predisposition. Identifiers: Orphanet 140162, MedGen C0027672, MeSH D009386, MONDO:0015356.
Tuberous sclerosis 2 (TSC2). Identifiers: Orphanet 805, MedGen C1860707, MONDO:0013199, OMIM 613254.

Submissions (2):

Labcorp Genetics (formerly Invitae), Labcorp
Classification: Uncertain significance for Tuberous sclerosis 2. Last evaluated: 2023-08-01. Review status: criteria provided, single submitter. Criteria: Invitae Variant Classification Sherloc (09022015). Collection method: clinical testing. Allele origin: germline.
Comment: This variant has not been reported in the literature in individuals affected with TSC2-related conditions. This variant is not present in population databases (gnomAD no frequency). This sequence change replaces glutamic acid, which is acidic and polar, with aspartic acid, which is acidic and polar, at codon 1565 of the TSC2 protein (p.Glu1565Asp). ClinVar contains an entry for this variant (Variation ID: 942410). In summary, the available evidence is currently insufficient to determine the role of this variant in disease. Therefore, it has been classified as a Variant of Uncertain Significance. Advanced modeling of protein sequence and biophysical properties (such as structural, functional, and spatial information, amino acid conservation, physicochemical variation, residue mobility, and thermodynamic stability) performed at Invitae indicates that this missense variant is not expected to disrupt TSC2 protein function.

Ambry Genetics
Classification: Uncertain significance for Hereditary cancer-predisposing syndrome. Last evaluated: 2021-10-19. Review status: criteria provided, single submitter. Criteria: Ambry Variant Classification Scheme 2023. Collection method: clinical testing. Allele origin: germline.
Comment: The p.E1565D variant (also known as c.4695G>C), located in coding exon 36 of the TSC2 gene, results from a G to C substitution at nucleotide position 4695. The glutamic acid at codon 1565 is replaced by aspartic acid, an amino acid with highly similar properties. This amino acid position is highly conserved in available vertebrate species. In addition, this alteration is predicted to be deleterious by in silico analysis. Since supporting evidence is limited at this time, the clinical significance of this alteration remains unclear.